The following is an entry in ClinVar:

NM_000238.4(KCNH2):c.732G>T (p.Ala244=)

Gene: KCNH2 (potassium voltage-gated channel subfamily H member 2; minus strand). Cytogenetic location: 7q36.1.
Variant type: single nucleotide variant.
Coding change: c.732G>T on transcript NM_000238.4 (MANE Select); coding-DNA position 732, G replaced by T.
Protein change: p.Ala244=; no amino-acid change (alanine 244 retained).
Molecular consequence: synonymous variant. On other transcripts: non-coding transcript variant (1).
Genome position (GRCh38, 1-based): chr7:150,958,243, C>A on the plus strand (G>T on the coding strand, the complement: KCNH2 is on the minus strand). VCF-style: chr7-150958243-C-A. GRCh37 (hg19) VCF-style: chr7-150655331-C-A.
Other names: c.444G>T, p.Ala148= (NM_001406753.1, NM_001406756.1); c.555G>T, p.Ala185= (NM_001406755.1); c.432G>T, p.Ala144= (NM_001406757.1); c.732G>T, p.Ala244= (NM_172056.3).
Identifiers: ClinVar variation 509421 (VCV000509421.18), dbSNP rs1255299868, ClinGen allele CA458872144.

ClinVar aggregate classification (germline): Conflicting classifications of pathogenicity. Review status: criteria provided, conflicting classifications (1 of 4 stars). 4 submissions from 4 submitters: Uncertain significance (1); Likely benign (3). Last evaluated 2024-05-21.

Conditions:
Long QT syndrome 2 (LQT2). Identifiers: Orphanet 101016, Orphanet 768, MedGen C3150943, MONDO:0013367, OMIM 613688.
Long QT syndrome (LQTS). Identifiers: MedGen C0023976, MeSH D008133, MONDO:0002442. Disease mechanism: loss of function. Inheritance: Various modes of inheritance.
Cardiovascular phenotype. Identifiers: MedGen CN230736.

Allele frequency attached by ClinVar (database versions not stated): TOPMed 0.00001; gnomAD exomes 0.00002.
gnomAD v4.1: 25 of 1,402,940 alleles (0.0018%); highest among the groups gnomAD compares: Non-Finnish European, 0.0023%; no homozygotes.

Submissions (4):

Labcorp Genetics (formerly Invitae), Labcorp
Classification: Likely benign for Long QT syndrome. Last evaluated: 2024-05-21. Review status: criteria provided, single submitter. Criteria: Invitae Variant Classification Sherloc (09022015). Collection method: clinical testing. Allele origin: germline.

Ambry Genetics
Classification: Likely benign for Cardiovascular phenotype. Last evaluated: 2024-02-01. Review status: criteria provided, single submitter. Criteria: Ambry Variant Classification Scheme 2023. Collection method: clinical testing. Allele origin: germline.

GeneDx
Classification: Likely benign. Last evaluated: 2017-05-05. Review status: criteria provided, single submitter. Criteria: GeneDx Variant Classification (06012015). Collection method: clinical testing. Allele origin: germline. Affected: yes.
Comment: This variant is considered likely benign or benign based on one or more of the following criteria: it is a conservative change, it occurs at a poorly conserved position in the protein, it is predicted to be benign by multiple in silico algorithms, and/or has population frequency not consistent with disease.

Illumina Laboratory Services, Illumina
Classification: Uncertain significance for Long QT syndrome 2. Last evaluated: 2017-04-27. Review status: criteria provided, single submitter. Criteria: ICSL Variant Classification Criteria 13 December 2019. Collection method: clinical testing. Allele origin: germline.